The following is an entry in ClinVar:

ClinVar aggregate classification (germline): Pathogenic/Likely pathogenic. Review status: criteria provided, multiple submitters, no conflicts (2 of 4 stars). 4 submissions from 4 submitters: Pathogenic (3); Likely pathogenic (1). Last evaluated 2025-07-31.

Conditions:
DICER1-related tumor predisposition. Also called: DICER1 syndrome; DICER1-related pleuropulmonary blastoma cancer predisposition syndrome. Identifiers: Orphanet 284343, MedGen C3839822, MONDO:0100216.
Hereditary cancer-predisposing syndrome. Also called: Hereditary neoplastic syndrome; Neoplastic Syndromes, Hereditary; Tumor predisposition; Hereditary Cancer Syndrome. Identifiers: Orphanet 140162, MedGen C0027672, MeSH D009386, MONDO:0015356.

Submissions (4):

Labcorp Genetics (formerly Invitae), Labcorp
Classification: Pathogenic for DICER1-related tumor predisposition. Last evaluated: 2025-07-31. Review status: criteria provided, single submitter. Criteria: Invitae Variant Classification Sherloc (09022015). Collection method: clinical testing. Allele origin: germline.
Comment: This sequence change creates a premature translational stop signal (p.Ser1491*) in the DICER1 gene. It is expected to result in an absent or disrupted protein product. Loss-of-function variants in DICER1 are known to be pathogenic (PMID: 19556464, 21266384). This variant is not present in population databases (gnomAD no frequency). This variant has not been reported in the literature in individuals affected with DICER1-related conditions. ClinVar contains an entry for this variant (Variation ID: 3501852). For these reasons, this variant has been classified as Pathogenic.

GeneDx
Classification: Pathogenic. Last evaluated: 2025-05-07. Review status: criteria provided, single submitter. Criteria: GeneDx Variant Classification Process June 2021. Collection method: clinical testing. Allele origin: germline.
Comment: Nonsense variant predicted to result in protein truncation or nonsense mediated decay in a gene for which loss of function is a known mechanism of disease; Not observed at significant frequency in large population cohorts (gnomAD); Has not been previously published as pathogenic or benign to our knowledge; This variant is associated with the following publications: (PMID: 27535533)

Ambry Genetics
Classification: Pathogenic for Hereditary cancer-predisposing syndrome. Last evaluated: 2024-07-10. Review status: criteria provided, single submitter. Criteria: Ambry Variant Classification Scheme 2023. Collection method: clinical testing. Allele origin: germline.
Comment: The c.4469dupG pathogenic mutation, located in coding exon 22 of the DICER1 gene, results from a duplication of G at nucleotide position 4469, causing a translational frameshift with a predicted alternate stop codon (p.S1491*). This variant is considered to be rare based on population cohorts in the Genome Aggregation Database (gnomAD). This alteration is expected to result in loss of function by premature protein truncation or nonsense-mediated mRNA decay. As such, this alteration is interpreted as a disease-causing mutation.

Institute for Genomic Medicine (IGM) Clinical Laboratory, Nationwide Children's Hospital
Classification: Likely pathogenic for DICER1-related tumor predisposition. Last evaluated: 2024-03-13. Review status: criteria provided, single submitter. Criteria: ACMG Guidelines, 2015. Collection method: clinical testing. Allele origin: germline.
Comment: This variant is predicted to result in loss of function through nonsense-mediated decay of the encoded transcript or premature truncation of the encoded protein in a gene in which loss of function is a known mechanism of disease (ACMG/AMP: PVS1; PMIDs:19556464, 21266384). This variant is absent from or present at an exceedingly low frequency in gnomAD, a large-scale control population database (ACMG/AMP: PM2).

Literature cited by the submitters: PubMed 19556464 (cited by Labcorp Genetics (formerly Invitae), Labcorp and Institute for Genomic Medicine (IGM) Clinical Laboratory, Nationwide Children's Hospital); PubMed 21266384 (cited by Labcorp Genetics (formerly Invitae), Labcorp and Institute for Genomic Medicine (IGM) Clinical Laboratory, Nationwide Children's Hospital).

NM_177438.3(DICER1):c.4469dup (p.Gly1490_Ser1491insTer)

Gene: DICER1 (dicer 1, ribonuclease III; minus strand). Cytogenetic location: 14q32.13.
Variant type: Duplication.
Coding change: c.4469dup on transcript NM_177438.3 (MANE Select); coding-DNA position 4469, one base duplicated (G; older notation c.4469dupG).
Protein change: p.Gly1490_Ser1491insTer.
Molecular consequence: frameshift variant. On other transcripts: nonsense (1), non-coding transcript variant (6).
Genome position (GRCh38, 1-based): chr14:95,096,451, C duplicated on the plus strand (G on the coding strand, the reverse complement: DICER1 is on the minus strand); the first of 2 consecutive C bases (chr14:95,096,451-95,096,452); duplicating either gives the same sequence. VCF-style (leftmost placement, unchanged base first): chr14-95096450-A-AC. GRCh37 (hg19) VCF-style: chr14-95562787-A-AC.
Other names: c.4469dupG (NM_177438.2); c.4469dup, p.Gly1490_Ser1491insTer (NM_001195573.1, NM_001271282.3, NM_001291628.2 and 12 more transcripts); c.4187dup, p.Gly1396_Ser1397insTer (NM_001395686.1); c.4064dup, p.Gly1355_Ser1356insTer (NM_001395687.1, NM_001395688.1, NM_001395689.1 and 2 more transcripts); c.3902dup, p.Gly1301_Ser1302insTer (NM_001395691.1); c.2786dup, p.Gly929_Ser930insTer (NM_001395697.1); c.4469dup (NM_177438.2).
Identifiers: ClinVar variation 3501852 (VCV003501852.6).